The following is an entry in ClinVar:

NM_000361.3(THBD):c.1721G>A (p.Arg574Lys)

Gene: THBD (thrombomodulin; minus strand). Cytogenetic location: 20p11.21.
Variant type: single nucleotide variant.
Coding change: c.1721G>A on transcript NM_000361.3 (MANE Select); coding-DNA position 1721, G replaced by A.
Protein change: p.Arg574Lys; replaces arginine 574 with lysine.
Molecular consequence: missense variant.
Genome position (GRCh38, 1-based): chr20:23,047,784, C>T on the plus strand (G>A on the coding strand, the complement: THBD is on the minus strand). VCF-style: chr20-23047784-C-T. GRCh37 (hg19) VCF-style: chr20-23028421-C-T.
Other names: short protein forms R574K.
Identifiers: ClinVar variation 4714385 (VCV004714385.1).

ClinVar aggregate classification (germline): Uncertain significance (1 of 4 stars; one submission).

Submission:

Labcorp Genetics (formerly Invitae), Labcorp
Classification: Uncertain significance. Last evaluated: 2025-03-05. Review status: criteria provided, single submitter. Criteria: Invitae Variant Classification Sherloc (09022015). Collection method: clinical testing. Allele origin: germline.
Comment: This sequence change replaces arginine, which is basic and polar, with lysine, which is basic and polar, at codon 574 of the THBD protein (p.Arg574Lys). This variant is not present in population databases (gnomAD no frequency). This variant has not been reported in the literature in individuals affected with THBD-related conditions. An algorithm developed to predict the effect of missense changes on protein structure and function outputs the following: PolyPhen-2: "Benign". The lysine amino acid residue is found in multiple mammalian species, which suggests that this missense change does not adversely affect protein function. In summary, the available evidence is currently insufficient to determine the role of this variant in disease. Therefore, it has been classified as a Variant of Uncertain Significance.